The following is an entry in ClinVar:

NM_144991.3(TSPEAR):c.631A>G (p.Met211Val)

Gene: TSPEAR (thrombospondin type laminin G domain and EAR repeats; minus strand). Cytogenetic location: 21q22.3.
Variant type: single nucleotide variant.
Coding change: c.631A>G on transcript NM_144991.3 (MANE Select); coding-DNA position 631, A replaced by G.
Protein change: p.Met211Val; replaces methionine 211 with valine.
Molecular consequence: missense variant.
Genome position (GRCh38, 1-based): chr21:44,531,045, T>C on the plus strand (A>G on the coding strand, the complement: TSPEAR is on the minus strand). VCF-style: chr21-44531045-T-C. GRCh37 (hg19) VCF-style: chr21-45950928-T-C.
Other names: c.427A>G, p.Met143Val (NM_001272037.2); short protein forms M143V, M211V.
Identifiers: ClinVar variation 4976522 (VCV004976522.1).

ClinVar aggregate classification (germline): Uncertain significance (1 of 4 stars; one submission).

gnomAD v4.1: 17 of 1,613,302 alleles (0.0011%); highest among the groups gnomAD compares: South Asian, 0.0066%; no homozygotes.

Submission:

GeneDx
Classification: Uncertain significance. Last evaluated: 2026-02-12. Review status: criteria provided, single submitter. Criteria: GeneDx Variant Classification Process June 2021. Collection method: clinical testing. Allele origin: germline.
Comment: In silico analysis supports a deleterious effect on splicing; In silico analysis suggests that this missense variant does not alter protein structure/function; Has not been previously published as pathogenic or benign to our knowledge